The following is an entry in ClinVar:

ClinVar aggregate classification (germline): Uncertain significance (1 of 4 stars; one submission).

Conditions:
LRRC45-related disorder. Also called: LRRC45-related condition.

gnomAD v4.1: 4 of 1,577,756 alleles (0.00025%); highest among the groups gnomAD compares: Admixed American, 0.0054%; no homozygotes.

Submission:

PreventionGenetics, part of Exact Sciences
Classification: Uncertain significance for LRRC45-related condition. Last evaluated: 2026-01-15. Review status: criteria provided, single submitter. Criteria: ACMG Guidelines, 2015. Collection method: clinical testing. Allele origin: germline.
Comment: The LRRC45 c.1469C>A variant is predicted to result in the amino acid substitution p.Ala490Asp. To our knowledge, this variant has not been reported in the literature. This variant is reported in 0.0% of alleles in individuals of African descent in gnomAD. At this time, the clinical significance of this variant is uncertain due to the absence of conclusive functional and genetic evidence.

NM_144999.4(LRRC45):c.1469C>A (p.Ala490Asp)

Gene: LRRC45 (leucine rich repeat containing 45; plus strand). Cytogenetic location: 17q25.3.
Variant type: single nucleotide variant.
Coding change: c.1469C>A on transcript NM_144999.4 (MANE Select); coding-DNA position 1469, C replaced by A.
Protein change: p.Ala490Asp; replaces alanine 490 with aspartic acid.
Molecular consequence: missense variant.
Genome position (GRCh38, 1-based): chr17:82,029,610, C>A. VCF-style: chr17-82029610-C-A. GRCh37 (hg19) VCF-style: chr17-79987486-C-A.
Other names: short protein forms A490D.
Identifiers: ClinVar variation 4991643 (VCV004991643.1).
Genomic context (GRCh38, chr17:82,029,610, plus strand): 5'-GCCGAGTGAAAGCAGCGGCACTCAGCGAGCGTGGCCAGGCTGAGGAGGAGCTGATCAAGG[C>A]CAAGAGCCAGGCCCGCCTGGAGGAGGTGAGCCACACATGTCCGCCACCCTCCGGGGGAGC-3'
Protein context (NP_659436.1, residues 480-500): RGQAEEELIK[Ala490Asp]KSQARLEEQQ